The following is an entry in ClinVar:

NM_000629.3(IFNAR1):c.1441-1G>A

Gene: IFNAR1 (interferon alpha and beta receptor subunit 1; plus strand). Cytogenetic location: 21q22.11.
Variant type: single nucleotide variant.
Coding change: c.1441-1G>A on transcript NM_000629.3 (MANE Select); the canonical splice acceptor site of the intron before coding-DNA position 1441, G replaced by A.
Molecular consequence: splice acceptor variant. On other transcripts: intron variant (2).
Genome position (GRCh38, 1-based): chr21:33,355,315, G>A. VCF-style: chr21-33355315-G-A. GRCh37 (hg19) VCF-style: chr21-34727621-G-A.
Other names: c.1234-1G>A (NM_001384504.1); c.679-1G>A (NM_001384500.1); c.1441-1G>A (NM_001384498.1); c.1441-16G>A (NM_001384503.1); c.1295-1G>A (NM_001384499.1); c.1426-16G>A (NM_001384501.1); c.979-1G>A (NM_001384502.1).
Identifiers: ClinVar variation 2070847 (VCV002070847.4), dbSNP rs748488970, ClinGen allele CA410110794.
Genomic context (GRCh38, chr21:33,355,315, plus strand): 5'-GAAAAGGAATTTTTATTATTTTAAATAATTGATTTCTACTCTTTCCCTTTTTTTAAATTA[G>A]TATTTCTCTGAACAGCCATTGAAGAATCTTCTGCTTTCAACTTCTGAGGAACAAATCGAA-3'

ClinVar aggregate classification (germline): Uncertain significance (1 of 4 stars; one submission).

Allele frequency attached by ClinVar (database versions not stated): TOPMed 0.00001.
gnomAD v4.1: 11 of 1,402,620 alleles (0.00078%); highest among the groups gnomAD compares: Non-Finnish European, 0.0011%; no homozygotes.

Submission:

Labcorp Genetics (formerly Invitae), Labcorp
Classification: Uncertain significance. Last evaluated: 2024-04-08. Review status: criteria provided, single submitter. Criteria: Invitae Variant Classification Sherloc (09022015). Collection method: clinical testing. Allele origin: germline.
Comment: This sequence change affects an acceptor splice site in intron 10 of the IFNAR1 gene. While this variant is not anticipated to result in nonsense mediated decay, it likely alters RNA splicing and results in a disrupted protein product. The frequency data for this variant in the population databases is considered unreliable, as metrics indicate poor data quality at this position in the gnomAD database. This variant has not been reported in the literature in individuals affected with IFNAR1-related conditions. ClinVar contains an entry for this variant (Variation ID: 2070847). Variants that disrupt the consensus splice site are a relatively common cause of aberrant splicing (PMID: 17576681, 9536098). Algorithms developed to predict the effect of sequence changes on RNA splicing suggest that this variant may disrupt the consensus splice site. In summary, the available evidence is currently insufficient to determine the role of this variant in disease. Therefore, it has been classified as a Variant of Uncertain Significance.

Literature cited by the submitters: PubMed 17576681; PubMed 9536098.